The following is an entry in ClinVar:

NM_001267550.2(TTN):c.80445C>A (p.Tyr26815Ter)

Genes: TTN-AS1 (TTN antisense RNA 1; plus strand), TTN (titin; minus strand). Cytogenetic location: 2q31.2.
Variant type: single nucleotide variant.
Coding change: c.80445C>A on transcript NM_001267550.2 (MANE Select); coding-DNA position 80445, C replaced by A.
Protein change: p.Tyr26815Ter; replaces tyrosine 26815 with a stop codon.
Molecular consequence: nonsense.
Genome position (GRCh38, 1-based): chr2:178,565,687, G>T on the plus strand (C>A on the coding strand, the complement: TTN is on the minus strand). VCF-style: chr2-178565687-G-T. GRCh37 (hg19) VCF-style: chr2-179430414-G-T.
Other names: c.75522C>A, p.Tyr25174Ter (NM_001256850.1); c.53250C>A, p.Tyr17750Ter (NM_003319.4); c.72741C>A, p.Tyr24247Ter (NM_133378.4); c.53625C>A, p.Tyr17875Ter (NM_133432.3); c.53826C>A, p.Tyr17942Ter (NM_133437.4); short protein forms Y17875*, Y24247*, Y26815*, Y17942*, Y25174*, Y17750*.
Identifiers: ClinVar variation 940359 (VCV000940359.10), dbSNP rs759414143, ClinGen allele CA349588735.
Genomic context (GRCh38, chr2:178,565,687, plus strand): 5'-GACTTTGGATTCAGCCACAATGCTCCATTTTTCAGTTCCTTTGGGCTGCATTTCAACAAC[G>T]TACCCCAGGACTCTGCTACCGCCATCATGTTCAGGTTTCTCCCACATAAGTGATGCACTG-3'

ClinVar aggregate classification (germline): Likely pathogenic (1 of 4 stars; one submission).

Conditions:
Dilated cardiomyopathy 1G (CMD1G). Identifiers: Orphanet 154, MedGen C1858763, MONDO:0011400, OMIM 604145.
Autosomal recessive limb-girdle muscular dystrophy type 2J (LGMDR10). Also called: Limb-girdle muscular dystrophy, type 2J; MUSCULAR DYSTROPHY, LIMB-GIRDLE, AUTOSOMAL RECESSIVE 10. Identifiers: Orphanet 140922, MedGen C1837342, MONDO:0012127, OMIM 608807.

Submission:

Labcorp Genetics (formerly Invitae), Labcorp
Classification: Likely pathogenic for Dilated cardiomyopathy 1G; Autosomal recessive limb-girdle muscular dystrophy type 2J. Last evaluated: 2022-03-09. Review status: criteria provided, single submitter. Criteria: Invitae Variant Classification Sherloc (09022015). Collection method: clinical testing. Allele origin: germline.
Comment: This sequence change creates a premature translational stop signal (p.Tyr26815*) in the TTN gene. While this is not anticipated to result in nonsense mediated decay, it is expected to create a truncated TTN protein. This variant is not present in population databases (gnomAD no frequency). This variant has not been reported in the literature in individuals affected with TTN-related conditions. ClinVar contains an entry for this variant (Variation ID: 940359). Algorithms developed to predict the effect of sequence changes on RNA splicing suggest that this variant may create or strengthen a splice site. This variant is located in the A band of TTN (PMID: 25589632). Truncating variants in this region are significantly overrepresented in patients affected with dilated cardiomyopathy (PMID: 25589632). Truncating variants in this region have also been reported in individuals affected with autosomal recessive centronuclear myopathy (PMID: 23975875). In summary, the currently available evidence indicates that the variant is pathogenic, but additional data are needed to prove that conclusively. Therefore, this variant has been classified as Likely Pathogenic.

Literature cited by the submitters: PubMed 25589632; PubMed 23975875.